The following is an entry in ClinVar:

NM_000169.3(GLA):c.779G>C (p.Gly260Ala)

Genes: GLA (galactosidase alpha; minus strand), RPL36A-HNRNPH2 (RPL36A-HNRNPH2 readthrough; plus strand). Cytogenetic location: Xq22.1.
Variant type: single nucleotide variant.
Coding change: c.779G>C on transcript NM_000169.3 (MANE Select); coding-DNA position 779, G replaced by C.
Protein change: p.Gly260Ala; replaces glycine 260 with alanine.
Molecular consequence: missense variant. On other transcripts: non-coding transcript variant (3), intron variant (2).
Genome position (GRCh38, 1-based): chrX:101,398,807, C>G on the plus strand (G>C on the coding strand, the complement: GLA is on the minus strand). VCF-style: chrX-101398807-C-G. GRCh37 (hg19) VCF-style: chrX-100653795-C-G.
Other names: c.902G>C, p.Gly301Ala (NM_001406747.1); c.779G>C, p.Gly260Ala (NM_001406748.1); c.300+3350C>G (NM_001199973.2); c.177+6985C>G (NM_001199974.2); short protein forms G260A, G301A.
Identifiers: ClinVar variation 4087508 (VCV004087508.2).

ClinVar aggregate classification (germline): Likely pathogenic (1 of 4 stars; one submission).

Conditions:
Fabry disease. Also called: ALPHA-GALACTOSIDASE A DEFICIENCY; ANDERSON-FABRY DISEASE; CERAMIDE TRIHEXOSIDASE DEFICIENCY; GLA DEFICIENCY; HEREDITARY DYSTOPIC LIPIDOSIS; Angiokeratoma corporis diffusum. Identifiers: Orphanet 324, MedGen C0002986, MONDO:0010526, OMIM 301500, HP:0001071. Disease mechanism: Fabry disease is due to inactivating mutations in the X-linked GLA gene resulting in deficiency of the enzyme Alpha Galactosidase-A., loss of function.

Submission:

Genomenon, Inc
Classification: Likely pathogenic for Fabry disease. Last evaluated: 2026-09-08. Review status: criteria provided, single submitter. Criteria: Genomenon Sequence Variant Interpretation Standards - Updated. Collection method: curation. Allele origin: germline. Affected: yes.
Comment: GLA p.Gly260Ala (c.779G>C) is a missense variant that changes the amino acid at codon 260 from Glycine to Alanine. This variant has been observed in at least one proband with clinical features consistent with Fabry disease (PMID:27657681;27834756;18205205;39609713;30723321). Functional or patient cell studies have been reported (PMID:30048710;30723321;18205205;27657681;39609713). This variant is located in a mutational hotspot and/or important functional domain. It is absent or not present at a significant frequency in gnomAD. In silico models predict that this variant is possibly or probably damaging. In conclusion, we classify GLA p.Gly260Ala (c.779G>C) as a likely pathogenic variant.

Literature cited by the submitters: PubMed 27657681; PubMed 27834756; PubMed 18205205; PubMed 39609713; PubMed 30723321; PubMed 30048710.